The following is an entry in ClinVar:

NM_004415.4(DSP):c.8197A>T (p.Thr2733Ser)

Gene: DSP (desmoplakin; plus strand). Cytogenetic location: 6p24.3.
Variant type: single nucleotide variant.
Coding change: c.8197A>T on transcript NM_004415.4 (MANE Select); coding-DNA position 8197, A replaced by T.
Protein change: p.Thr2733Ser; replaces threonine 2733 with serine.
Molecular consequence: missense variant.
Genome position (GRCh38, 1-based): chr6:7,585,459, A>T. VCF-style: chr6-7585459-A-T. GRCh37 (hg19) VCF-style: chr6-7585692-A-T.
Other names: c.6400A>T, p.Thr2134Ser (NM_001008844.3); c.6868A>T, p.Thr2290Ser (NM_001319034.2); short protein forms T2134S, T2290S, T2733S.
Identifiers: ClinVar variation 1465787 (VCV001465787.10), dbSNP rs1157650702, ClinGen allele CA362694652.

ClinVar aggregate classification (germline): Conflicting classifications of pathogenicity. Review status: criteria provided, conflicting classifications (1 of 4 stars). 4 submissions from 4 submitters: Uncertain significance (3); Likely benign (1). Last evaluated 2025-08-11.

Conditions:
Cardiovascular phenotype. Identifiers: MedGen CN230736.
Arrhythmogenic cardiomyopathy with wooly hair and keratoderma. Also called: PALMOPLANTAR KERATODERMA WITH LEFT VENTRICULAR CARDIOMYOPATHY AND WOOLLY HAIR; Arrhythmogenic cardiomyopathy with woolly hair and keratoderma; Carvajal syndrome; Dilated cardiomyopathy with woolly hair and keratoderma. Identifiers: Orphanet 65282, MedGen C1854063, MONDO:0011581, OMIM 605676.
Arrhythmogenic right ventricular dysplasia 8 (ARVD8). Also called: Arrhythmogenic Right Ventricular Dysplasia/Cardiomyopathy 8; ARRHYTHMOGENIC RIGHT VENTRICULAR DYSPLASIA, FAMILIAL, 8; ARRHYTHMOGENIC RIGHT VENTRICULAR CARDIOMYOPATHY 8. Identifiers: MedGen C1843896, MONDO:0011831, OMIM 607450.

Allele frequency attached by ClinVar (database versions not stated): gnomAD exomes below 0.00001 and 0.00001; gnomAD 0.00001.

Submissions (4):

GeneDx
Classification: Uncertain significance. Last evaluated: 2025-08-11. Review status: criteria provided, single submitter. Criteria: GeneDx Variant Classification Process June 2021. Collection method: clinical testing. Allele origin: germline. Affected: yes.
Comment: Not observed at significant frequency in large population cohorts (gnomAD); In silico analysis supports that this missense variant has a deleterious effect on protein structure/function; Has not been previously published as pathogenic or benign to our knowledge

Ambry Genetics
Classification: Uncertain significance for Cardiovascular phenotype. Last evaluated: 2025-07-25. Review status: criteria provided, single submitter. Criteria: Ambry Variant Classification Scheme 2023. Collection method: clinical testing. Allele origin: germline.
Comment: The p.T2733S variant (also known as c.8197A>T), located in coding exon 24 of the DSP gene, results from an A to T substitution at nucleotide position 8197. The threonine at codon 2733 is replaced by serine, an amino acid with similar properties. This amino acid position is highly conserved in available vertebrate species. In addition, the in silico prediction for this alteration is inconclusive. Since supporting evidence is limited at this time, the clinical significance of this alteration remains unclear.

Labcorp Genetics (formerly Invitae), Labcorp
Classification: Likely benign for Arrhythmogenic cardiomyopathy with wooly hair and keratoderma; Arrhythmogenic right ventricular dysplasia 8. Last evaluated: 2024-12-03. Review status: criteria provided, single submitter. Criteria: Invitae Variant Classification Sherloc (09022015). Collection method: clinical testing. Allele origin: germline.

All of Us Research Program, National Institutes of Health
Classification: Uncertain significance for Arrhythmogenic cardiomyopathy with wooly hair and keratoderma. Last evaluated: 2023-04-03. Review status: criteria provided, single submitter. Criteria: ACMG Guidelines, 2015. Collection method: clinical testing. Allele origin: germline. Inheritance: Autosomal dominant inheritance. Observed: 1 variant allele, 1 heterozygote.
Comment: This missense variant replaces threonine with serine at codon 2733 of the DSP protein. Computational prediction suggests that this variant may have deleterious impact on protein structure and function (internally defined REVEL score threshold >= 0.7, PMID: 27666373). To our knowledge, functional studies have not been reported for this variant. This variant has not been reported in individuals affected with DSP-related disorders in the literature. This variant has been identified in 4/282810 chromosomes in the general population by the Genome Aggregation Database (gnomAD). The available evidence is insufficient to determine the role of this variant in disease conclusively. Therefore, this variant is classified as a Variant of Uncertain Significance.

This study involves interpretation of variants in research participants for the purpose of population health screening. Participant phenotype was not available at the time of variant classification. Additional details can be found in publication PMID: 35346344, PMCID: PMC8962531